The following is an entry in ClinVar:

NM_015338.6(ASXL1):c.3212C>T (p.Ala1071Val)

Gene: ASXL1 (ASXL transcriptional regulator 1; plus strand). Cytogenetic location: 20q11.21.
Variant type: single nucleotide variant.
Coding change: c.3212C>T on transcript NM_015338.6 (MANE Select); coding-DNA position 3212, C replaced by T.
Protein change: p.Ala1071Val; replaces alanine 1071 with valine.
Molecular consequence: missense variant.
Genome position (GRCh38, 1-based): chr20:32,435,924, C>T. VCF-style: chr20-32435924-C-T. GRCh37 (hg19) VCF-style: chr20-31023727-C-T.
Other names: c.3029C>T, p.Ala1010Val (NM_001363734.1); short protein forms A1071V, A1010V.
Identifiers: ClinVar variation 338106 (VCV000338106.12), dbSNP rs531415735, ClinGen allele CA9808778.

ClinVar aggregate classification (germline): Uncertain significance (1 of 4 stars; one submission).

Allele frequency attached by ClinVar (database versions not stated): gnomAD 0.00001 and 0.00003; gnomAD exomes 0.00002; TOPMed 0.00002; ExAC 0.00004; 1000 Genomes Project 0.00020; 1000 Genomes Project 30x 0.00031.
gnomAD v4.1: 31 of 1,614,156 alleles (0.0019%); highest among the groups gnomAD compares: South Asian, 0.014%; no homozygotes.

Submission:

Labcorp Genetics (formerly Invitae), Labcorp
Classification: Uncertain significance. Last evaluated: 2025-06-08. Review status: criteria provided, single submitter. Criteria: Invitae Variant Classification Sherloc (09022015). Collection method: clinical testing. Allele origin: germline.
Comment: This sequence change replaces alanine, which is neutral and non-polar, with valine, which is neutral and non-polar, at codon 1071 of the ASXL1 protein (p.Ala1071Val). This variant is present in population databases (rs531415735, gnomAD 0.006%). This variant has not been reported in the literature in individuals affected with ASXL1-related conditions. ClinVar contains an entry for this variant (Variation ID: 338106). An algorithm developed to predict the effect of missense changes on protein structure and function (PolyPhen-2) suggests that this variant is likely to be disruptive. In summary, the available evidence is currently insufficient to determine the role of this variant in disease. Therefore, it has been classified as a Variant of Uncertain Significance.